The following is an entry in ClinVar:

ClinVar aggregate classification (germline): Uncertain significance (1 of 4 stars; one submission).

Conditions:
FUS-related disorder. Also called: FUS-related condition.

gnomAD v4.1: 7 of 1,612,072 alleles (0.00043%); highest among the groups gnomAD compares: South Asian, 0.0011%; no homozygotes.

Submission:

PreventionGenetics, part of Exact Sciences
Classification: Uncertain significance for FUS-related condition. Last evaluated: 2023-03-10. Review status: criteria provided, single submitter. Criteria: ACMG Guidelines, 2015. Collection method: clinical testing. Allele origin: germline.
Comment: The FUS c.638G>A variant is predicted to result in the amino acid substitution p.Arg213His. To our knowledge, this variant has not been reported in the literature or in a large population database, indicating this variant is rare. At this time, the clinical significance of this variant is uncertain due to the absence of conclusive functional and genetic evidence.

NM_004960.4(FUS):c.638G>A (p.Arg213His)

Gene: FUS (FUS RNA binding protein; plus strand). Cytogenetic location: 16p11.2.
Variant type: single nucleotide variant.
Coding change: c.638G>A on transcript NM_004960.4 (MANE Select); coding-DNA position 638, G replaced by A.
Protein change: p.Arg213His; replaces arginine 213 with histidine.
Molecular consequence: missense variant. On other transcripts: non-coding transcript variant (1).
Genome position (GRCh38, 1-based): chr16:31,185,053, G>A. VCF-style: chr16-31185053-G-A. GRCh37 (hg19) VCF-style: chr16-31196374-G-A.
Other names: c.635G>A, p.Arg212His (NM_001170634.1); c.626G>A, p.Arg209His (NM_001170937.1); short protein forms R209H, R212H, R213H.
Identifiers: ClinVar variation 2629018 (VCV002629018.1), dbSNP rs1437363894, ClinGen allele CA395669952.